The following is an entry in ClinVar:

NM_002585.4(PBX1):c.589A>G (p.Ile197Val)

Gene: PBX1 (PBX homeobox 1; plus strand). Cytogenetic location: 1q23.3.
Variant type: single nucleotide variant.
Coding change: c.589A>G on transcript NM_002585.4 (MANE Select); coding-DNA position 589, A replaced by G.
Protein change: p.Ile197Val; replaces isoleucine 197 with valine.
Molecular consequence: missense variant.
Genome position (GRCh38, 1-based): chr1:164,799,777, A>G. VCF-style: chr1-164799777-A-G. GRCh37 (hg19) VCF-style: chr1-164769014-A-G.
Other names: c.589A>G, p.Ile197Val (NM_001204961.2, NM_001204963.2, NM_001353131.2); c.340A>G, p.Ile114Val (NM_001353130.1); short protein forms I114V, I197V.
Identifiers: ClinVar variation 4087901 (VCV004087901.1).

ClinVar aggregate classification (germline): Uncertain significance (1 of 4 stars; one submission).

Submission:

GeneDx
Classification: Uncertain significance. Last evaluated: 2025-03-23. Review status: criteria provided, single submitter. Criteria: GeneDx Variant Classification Process June 2021. Collection method: clinical testing. Allele origin: germline. Affected: yes.
Comment: Not observed at significant frequency in large population cohorts (gnomAD); In silico analysis indicates that this missense variant does not alter protein structure/function; Has not been previously published as pathogenic or benign to our knowledge